The following is an entry in ClinVar:

ClinVar aggregate classification (germline): Conflicting classifications of pathogenicity. Review status: criteria provided, conflicting classifications (1 of 4 stars). 5 submissions from 5 submitters: Uncertain significance (2); Likely benign (2). 1 of the submissions does not count toward it. Last evaluated 2026-06-10.

Conditions:
Inborn genetic diseases. Identifiers: MedGen C0950123, MeSH D030342.
FAT4-related disorder. Also called: FAT4-related condition.

Allele frequency attached by ClinVar (database versions not stated): ESP Exome Variant Server 0.00033; 1000 Genomes Project 0.00040; gnomAD 0.00041 and 0.00044; TOPMed 0.00060; 1000 Genomes Project 30x 0.00062.
gnomAD v4.1: 128 of 1,613,830 alleles (0.0079%); highest among the groups gnomAD compares: African/African-American, 0.13%; no homozygotes.

Submissions (5):

Women's Health and Genetics/Laboratory Corporation of America, LabCorp
Classification: Uncertain significance. Last evaluated: 2026-06-10. Review status: criteria provided, single submitter. Criteria: LabCorp Variant Classification Summary - May 2015. Collection method: clinical testing. Allele origin: germline.
Comment: Variant summary: FAT4 c.2917G>A (p.Val973Ile) results in a conservative amino acid change in the encoded protein sequence. Algorithms developed to predict the effect of missense changes on protein structure and function are either unavailable or do not agree on the potential impact of this missense change. The variant allele was found at a frequency of 0.00013 in 249346 control chromosomes. This frequency is not significantly higher than estimated for disease-causing variants in FAT4, allowing no conclusion about variant significance. To our knowledge, no occurrence of c.2917G>A in individuals affected with FAT4-related conditions and no experimental evidence demonstrating its impact on protein function have been reported. ClinVar contains an entry for this variant (Variation ID: 945556). Based on the evidence outlined above, the variant was classified as uncertain significance.

Labcorp Genetics (formerly Invitae), Labcorp
Classification: Likely benign. Last evaluated: 2025-12-01. Review status: criteria provided, single submitter. Criteria: Invitae Variant Classification Sherloc (09022015). Collection method: clinical testing. Allele origin: germline.

GeneDx
Classification: Uncertain significance. Last evaluated: 2023-05-03. Review status: criteria provided, single submitter. Criteria: GeneDx Variant Classification Process June 2021. Collection method: clinical testing. Allele origin: germline. Affected: yes.
Comment: In silico analysis supports that this missense variant does not alter protein structure/function; Has not been previously published as pathogenic or benign to our knowledge

Ambry Genetics
Classification: Likely benign for Inborn genetic diseases. Last evaluated: 2022-01-28. Review status: criteria provided, single submitter. Criteria: Ambry Variant Classification Scheme 2023. Collection method: clinical testing. Allele origin: germline.

PreventionGenetics, part of Exact Sciences
Classification: Likely benign for FAT4-related condition. Last evaluated: 2022-02-03. Review status: no assertion criteria provided. Collection method: clinical testing. Allele origin: germline. Not counted in ClinVar's aggregate classification.
Comment: This variant is classified as likely benign based on ACMG/AMP sequence variant interpretation guidelines (Richards et al. 2015 PMID: 25741868, with internal and published modifications).

NM_001291303.3(FAT4):c.2917G>A (p.Val973Ile)

Gene: FAT4 (FAT atypical cadherin 4; plus strand). Cytogenetic location: 4q28.1.
Variant type: single nucleotide variant.
Coding change: c.2917G>A on transcript NM_001291303.3 (MANE Select); coding-DNA position 2917, G replaced by A.
Protein change: p.Val973Ile; replaces valine 973 with isoleucine.
Molecular consequence: missense variant.
Genome position (GRCh38, 1-based): chr4:125,319,328, G>A. VCF-style: chr4-125319328-G-A. GRCh37 (hg19) VCF-style: chr4-126240483-G-A.
Other names: c.2917G>A, p.Val973Ile (NM_001291285.3, NM_024582.6); c.2917G>A (NM_001291303.1); short protein forms V973I.
Identifiers: ClinVar variation 945556 (VCV000945556.12), dbSNP rs199497561, ClinGen allele CA3072226.